The following is an entry in ClinVar:

NM_001080517.3(SETD5):c.8T>C (p.Ile3Thr)

Gene: SETD5 (SET domain containing 5; plus strand). Cytogenetic location: 3p25.3.
Variant type: single nucleotide variant.
Coding change: c.8T>C on transcript NM_001080517.3 (MANE Select); coding-DNA position 8, T replaced by C.
Protein change: p.Ile3Thr; replaces isoleucine 3 with threonine.
Molecular consequence: missense variant. On other transcripts: 5 prime UTR variant (2).
Genome position (GRCh38, 1-based): chr3:9,428,946, T>C. VCF-style: chr3-9428946-T-C. GRCh37 (hg19) VCF-style: chr3-9470630-T-C.
Other names: c.-551T>C (NM_001292043.2); c.-592T>C (NM_001349451.2); short protein forms I3T.
Identifiers: ClinVar variation 2578084 (VCV002578084.1), dbSNP rs2472287827, ClinGen allele CA351678945.
Genomic context (GRCh38, chr3:9,428,946, plus strand): 5'-CAGTCTCCATTAATTGGACCCCGTGATTTCCAATCTCTGCTGTGTTGGACGTCATGAGCA[T>C]TGCAATCCCTCTGGGAGTCACCACATCAGATACATCCTACTCAGATATGGCTGCTGGATC-3'
Protein context (NP_001073986.1, residues 1-13): MS[Ile3Thr]AIPLGVTTSD

ClinVar aggregate classification (germline): Uncertain significance (1 of 4 stars; one submission).

Submission:

GeneDx
Classification: Uncertain significance. Last evaluated: 2023-02-08. Review status: criteria provided, single submitter. Criteria: GeneDx Variant Classification Process June 2021. Collection method: clinical testing. Allele origin: germline. Affected: yes.
Comment: Not observed at significant frequency in large population cohorts (gnomAD); In silico analysis supports that this missense variant has a deleterious effect on protein structure/function; Has not been previously published as pathogenic or benign to our knowledge